The following is an entry in ClinVar:

NM_152703.5(SAMD9L):c.4735T>A (p.Tyr1579Asn)

Gene: SAMD9L (sterile alpha motif domain containing 9 like; minus strand). Cytogenetic location: 7q21.2.
Variant type: single nucleotide variant.
Coding change: c.4735T>A on transcript NM_152703.5 (MANE Select); coding-DNA position 4735, T replaced by A.
Protein change: p.Tyr1579Asn; replaces tyrosine 1579 with asparagine.
Molecular consequence: missense variant.
Genome position (GRCh38, 1-based): chr7:93,131,237, A>T on the plus strand (T>A on the coding strand, the complement: SAMD9L is on the minus strand). VCF-style: chr7-93131237-A-T. GRCh37 (hg19) VCF-style: chr7-92760550-A-T.
Other names: c.4735T>A, p.Tyr1579Asn (NM_001303496.3, NM_001303497.3, NM_001303498.3 and 5 more transcripts); short protein forms Y1579N.
Identifiers: ClinVar variation 4630007 (VCV004630007.1).

ClinVar aggregate classification (germline): Uncertain significance (1 of 4 stars; one submission).

Conditions:
Inborn genetic diseases. Identifiers: MedGen C0950123, MeSH D030342.

gnomAD v4.1: 1 of 1,562,514 alleles (0.000064%); highest among the groups gnomAD compares: Non-Finnish European, 0.000086%; no homozygotes.

Submission:

Ambry Genetics
Classification: Uncertain significance for Inborn genetic diseases. Last evaluated: 2025-09-19. Review status: criteria provided, single submitter. Criteria: Ambry Variant Classification Scheme 2023. Collection method: clinical testing. Allele origin: germline.
Comment: The p.Y1579N variant (also known as c.4735T>A), located in coding exon 1 of the SAMD9L gene, results from a T to A substitution at nucleotide position 4735. The tyrosine at codon 1579 is replaced by asparagine, an amino acid with dissimilar properties. This amino acid position is conserved. In addition, the in silico prediction for this alteration is inconclusive. Based on the available evidence, the clinical significance of this variant remains unclear.